The following is an entry in ClinVar:

ClinVar aggregate classification (germline): Uncertain significance (1 of 4 stars; one submission).

Allele frequency attached by ClinVar (database versions not stated): gnomAD 0.00001; TOPMed 0.00002; gnomAD exomes 0.00004.

Submission:

Labcorp Genetics (formerly Invitae), Labcorp
Classification: Uncertain significance. Last evaluated: 2022-02-09. Review status: criteria provided, single submitter. Criteria: Invitae Variant Classification Sherloc (09022015). Collection method: clinical testing. Allele origin: germline.
Comment: Algorithms developed to predict the effect of missense changes on protein structure and function are either unavailable or do not agree on the potential impact of this missense change (SIFT: "Not Available"; PolyPhen-2: "Possibly Damaging"; Align-GVGD: "Not Available"). This variant has not been reported in the literature in individuals affected with CEP250-related conditions. This variant is not present in population databases (gnomAD no frequency). This sequence change replaces serine, which is neutral and polar, with phenylalanine, which is neutral and non-polar, at codon 295 of the CEP250 protein (p.Ser295Phe). In summary, the available evidence is currently insufficient to determine the role of this variant in disease. Therefore, it has been classified as a Variant of Uncertain Significance.

NM_007186.6(CEP250):c.884C>T (p.Ser295Phe)

Gene: CEP250 (centrosomal protein 250; plus strand). Cytogenetic location: 20q11.22.
Variant type: single nucleotide variant.
Coding change: c.884C>T on transcript NM_007186.6 (MANE Select); coding-DNA position 884, C replaced by T.
Protein change: p.Ser295Phe; replaces serine 295 with phenylalanine.
Molecular consequence: missense variant. On other transcripts: 5 prime UTR variant (1).
Genome position (GRCh38, 1-based): chr20:35,469,922, C>T. VCF-style: chr20-35469922-C-T. GRCh37 (hg19) VCF-style: chr20-34057747-C-T.
Other names: c.-1016C>T (NM_001318219.1); short protein forms S295F.
Identifiers: ClinVar variation 1897380 (VCV001897380.4), dbSNP rs958187100, ClinGen allele CA314149953.
Genomic context (GRCh38, chr20:35,469,922, plus strand): 5'-GGTGACAGTGCTATGCTCTTCTCTTTAGGGTGACCGAGCTCTCTGCTCTGTTGACCCAGT[C>T]TCAGAAGCAAAATGAAGATTATGAAAAGATGATAAAGGCTCTGAGAGAGACAGTGGAGAT-3'
Protein context (NP_009117.2, residues 285-305): VTELSALLTQ[Ser295Phe]QKQNEDYEKM